The following is an entry in ClinVar:

NM_003743.5(NCOA1):c.4156-146G>A

Gene: NCOA1 (nuclear receptor coactivator 1; plus strand). Cytogenetic location: 2p23.3.
Variant type: single nucleotide variant.
Coding change: c.4156-146G>A on transcript NM_003743.5 (MANE Select); 146 bases into the intron before coding-DNA position 4156, G replaced by A.
Molecular consequence: intron variant.
Genome position (GRCh38, 1-based): chr2:24,768,075, G>A. VCF-style: chr2-24768075-G-A. GRCh37 (hg19) VCF-style: chr2-24990944-G-A.
Other names: c.4156-4G>A (NM_001362950.1, NM_147223.3, NM_001362955.1 and 2 more transcripts); c.4156-149G>A (NM_147233.2).
Identifiers: ClinVar variation 4978015 (VCV004978015.1).

ClinVar aggregate classification (germline): Likely benign (1 of 4 stars; one submission).

Conditions:
NCOA1-related disorder. Also called: NCOA1-related condition.

gnomAD v4.1: 9 of 1,613,478 alleles (0.00056%); highest among the groups gnomAD compares: Middle Eastern, 0.033%; 1 homozygote.

Submission:

PreventionGenetics, part of Exact Sciences
Classification: Likely benign for NCOA1-related condition. Last evaluated: 2025-12-09. Review status: criteria provided, single submitter. Criteria: ACMG Guidelines, 2015. Collection method: clinical testing. Allele origin: germline.
Comment: This variant is classified as likely benign based on ACMG/AMP sequence variant interpretation guidelines (Richards et al. 2015 PMID: 25741868, with internal and published modifications).